The following is an entry in ClinVar:

NM_001370785.2(LRRC7):c.4620G>C (p.Gln1540His)

Gene: LRRC7 (leucine rich repeat containing 7; plus strand). Cytogenetic location: 1p31.1.
Variant type: single nucleotide variant.
Coding change: c.4620G>C on transcript NM_001370785.2 (MANE Select); coding-DNA position 4620, G replaced by C.
Protein change: p.Gln1540His; replaces glutamine 1540 with histidine.
Molecular consequence: missense variant. On other transcripts: 3 prime UTR variant (2).
Genome position (GRCh38, 1-based): chr1:70,107,826, G>C. VCF-style: chr1-70107826-G-C. GRCh37 (hg19) VCF-style: chr1-70573509-G-C.
Other names: NM_020794.2:c.4506G>C; c.4380G>C, p.Gln1460His (NM_001330635.3); c.*46G>C (NM_001350216.3, NM_001366841.1); c.4479G>C, p.Gln1493His (NM_001366838.3); c.4200G>C, p.Gln1400His (NM_001366839.3); short protein forms Q1460H, Q1540H, Q1400H, Q1493H.
Identifiers: ClinVar variation 5023690 (VCV005023690.1).

ClinVar aggregate classification (germline): Uncertain significance (1 of 4 stars; one submission).

Submission:

Ambry Genetics
Classification: Uncertain significance. Last evaluated: 2026-08-06. Review status: criteria provided, single submitter. Criteria: Ambry Variant Classification Scheme 2023. Collection method: clinical testing. Allele origin: germline.
Comment: The c.4506G>C (p.Q1502H) alteration is located in exon 24 (coding exon 24) of the LRRC7 gene. This alteration results from a G to C substitution at nucleotide position 4506, causing the glutamine (Q) at amino acid position 1502 to be replaced by a histidine (H). However, this change occurs in the last base pair of exon 24 (coding exon 24), which makes it likely to have some effect on normal mRNA splicing. This variant was not reported in population-based cohorts in the Genome Aggregation Database (gnomAD). This nucleotide position is highly conserved in available vertebrate species.This amino acid position is well conserved in available vertebrate species. The in silico prediction for this amino acid alteration is inconclusive. In silico splice site analysis predicts that this nucleotide alteration will weaken the native splice donor site. Based on insufficient or conflicting evidence, the clinical significance of this alteration remains unclear.